The following is an entry in ClinVar:

ClinVar aggregate classification (germline): Pathogenic. Review status: criteria provided, multiple submitters, no conflicts (2 of 4 stars). 2 submissions from 2 submitters: Pathogenic (2). Last evaluated 2017-06-07.

Submissions (2):

Clinical Genetics and Genomics, Karolinska University Hospital
Classification: Pathogenic. Last evaluated: 2017-06-07. Review status: criteria provided, single submitter. Criteria: ACMG Guidelines, 2015. Collection method: clinical testing. Allele origin: germline. Affected: yes. Observed: 1 variant allele.

GeneDx
Classification: Pathogenic. Last evaluated: 2015-05-13. Review status: criteria provided, single submitter. Criteria: GeneDx Variant Classification (06012015). Collection method: clinical testing. Allele origin: germline. Affected: yes.
Comment: The E2059X nonsense variant in the CHD7 gene is predicted to cause loss of normal protein functioneither through protein truncation or nonsense-mediated mRNA decay. The E2059X variant was notobserved in approximately 6,100 individuals of European and African American ancestry in the NHLBIExome Sequencing Project, indicating it is not a common benign variant in these populations. Although thisvariant has not been reported previously to our knowledge, we consider it to be pathogenic.

NM_017780.4(CHD7):c.6175G>T (p.Glu2059Ter)

Gene: CHD7 (chromodomain helicase DNA binding protein 7; plus strand). Cytogenetic location: 8q12.2.
Variant type: single nucleotide variant.
Coding change: c.6175G>T on transcript NM_017780.4 (MANE Select); coding-DNA position 6175, G replaced by T.
Protein change: p.Glu2059Ter; replaces glutamic acid 2059 with a stop codon.
Molecular consequence: nonsense. On other transcripts: intron variant (1).
Genome position (GRCh38, 1-based): chr8:60,852,900, G>T. VCF-style: chr8-60852900-G-T. GRCh37 (hg19) VCF-style: chr8-61765459-G-T.
Other names: c.1717-9329G>T (NM_001316690.1); c.6175G>T (LRG_176t1); short protein forms E2059*.
Identifiers: ClinVar variation 379722 (VCV000379722.3), dbSNP rs1057520712, ClinGen allele CA16605250.